The following is an entry in ClinVar:

ClinVar aggregate classification (germline): Uncertain significance. Review status: criteria provided, multiple submitters, no conflicts (2 of 4 stars). 2 submissions from 2 submitters: Uncertain significance (2). Last evaluated 2025-02-18.

Conditions:
Cardiomyopathy (CMYO). Also called: Cardiomyopathies. Identifiers: Orphanet 167848, MedGen C0878544, MONDO:0004994, HP:0001638. Inheritance: Various modes of inheritance.

Allele frequency attached by ClinVar (database versions not stated): gnomAD exomes below 0.00001; ExAC 0.00001.
gnomAD v4.1: 1 of 1,613,714 alleles (0.000062%); highest among the groups gnomAD compares: Non-Finnish European, 0.000085%; no homozygotes.

Submissions (2):

Color Diagnostics, LLC DBA Color Health
Classification: Uncertain significance for Cardiomyopathy. Last evaluated: 2025-02-18. Review status: criteria provided, single submitter. Criteria: ACMG Guidelines, 2015. Collection method: clinical testing. Allele origin: germline.
Comment: This missense variant replaces threonine with alanine at codon 259 of the RYR2 protein. Computational prediction is inconclusive regarding the impact of this variant on protein structure and function. To our knowledge, functional studies have not been reported for this variant. This variant has not been reported in individuals affected with RYR2-related disorders in the literature. This variant has not been identified in the general population by the Genome Aggregation Database (gnomAD). The available evidence is insufficient to determine the role of this variant in disease conclusively. Therefore, this variant is classified as a Variant of Uncertain Significance.

Blueprint Genetics
Classification: Uncertain significance. Last evaluated: 2022-01-14. Review status: criteria provided, single submitter. Criteria: ACMG Guidelines, 2015. Collection method: clinical testing. Allele origin: germline.

NM_001035.3(RYR2):c.775A>G (p.Thr259Ala)

Gene: RYR2 (ryanodine receptor 2; plus strand). Cytogenetic location: 1q43.
Variant type: single nucleotide variant.
Coding change: c.775A>G on transcript NM_001035.3 (MANE Select); coding-DNA position 775, A replaced by G.
Protein change: p.Thr259Ala; replaces threonine 259 with alanine.
Molecular consequence: missense variant.
Genome position (GRCh38, 1-based): chr1:237,417,050, A>G. VCF-style: chr1-237417050-A-G. GRCh37 (hg19) VCF-style: chr1-237580350-A-G.
Other names: short protein forms T259A.
Identifiers: ClinVar variation 926160 (VCV000926160.5), dbSNP rs750611654, ClinGen allele CA087490.